The following is an entry in ClinVar:

ClinVar aggregate classification (germline): Conflicting classifications of pathogenicity. Review status: criteria provided, conflicting classifications (1 of 4 stars). 6 submissions from 6 submitters: Uncertain significance (2); Likely benign (1). 3 of the submissions do not count toward it. Last evaluated 2025-06-09.

Conditions:
Cardiovascular phenotype. Identifiers: MedGen CN230736.
Brugada syndrome 5 (BRGDA5). Identifiers: Orphanet 130, Orphanet 871, MedGen C2748541, MONDO:0013015, OMIM 612838.

Allele frequency attached by ClinVar (database versions not stated): TOPMed 0.00002.
gnomAD v4.1: 83 of 1,614,000 alleles (0.0051%); highest among the groups gnomAD compares: Middle Eastern, 0.033%; 3 homozygotes.

Submissions (6):

Labcorp Genetics (formerly Invitae), Labcorp
Classification: Likely benign for Brugada syndrome 5. Last evaluated: 2025-06-09. Review status: criteria provided, single submitter. Criteria: Invitae Variant Classification Sherloc (09022015). Collection method: clinical testing. Allele origin: germline.

Ambry Genetics
Classification: Uncertain significance for Cardiovascular phenotype. Last evaluated: 2025-02-27. Review status: criteria provided, single submitter. Criteria: Ambry Variant Classification Scheme 2023. Collection method: clinical testing. Allele origin: germline.
Comment: The c.522C>A variant (also known as p.L174L), located in coding exon 4 of the SCN1B gene, results from a C to A substitution at nucleotide position 522. This nucleotide substitution does not change the leucine at codon 174. This nucleotide position is poorly conserved in available vertebrate species. In silico splice site analysis for this alteration is inconclusive. According to data from gnomAD, the frequency for this variant is above the maximum credible frequency for a cardiac disease-causing variant and an autosomal dominant epilepsy disease-causing variant in this gene based on internally established thresholds (Karczewski et al. Nature. 2020 May;581(7809):434-443; Whiffin et al. Genet Med. 2017 10;19:1151-1158). Based on the supporting evidence, this variant is unlikely to be causative of SCN1B-related arrhythmia or autosomal dominant SCN1B-related epilepsy; however, its contribution to the development of autosomal recessive SCN1B-related developmental and epileptic encephalopathy is uncertain.

GeneDx
Classification: Uncertain significance. Last evaluated: 2025-01-10. Review status: criteria provided, single submitter. Criteria: GeneDx Variant Classification Process June 2021. Collection method: clinical testing. Allele origin: germline. Affected: yes.
Comment: Has not been previously published as pathogenic or benign to our knowledge; In silico analysis suggests this variant may impact gene splicing. In the absence of RNA/functional studies, the actual effect of this sequence change is unknown.

Clinical Genetics, Academic Medical Center
Classification: Benign. Review status: no assertion criteria provided. Collection method: clinical testing. Allele origin: germline. Affected: yes. Study: VKGL Data-share Consensus. Not counted in ClinVar's aggregate classification.

Genome Diagnostics Laboratory, University Medical Center Utrecht
Classification: Benign. Review status: no assertion criteria provided. Collection method: clinical testing. Allele origin: germline. Affected: yes. Study: VKGL Data-share Consensus. Not counted in ClinVar's aggregate classification.

Joint Genome Diagnostic Labs from Nijmegen and Maastricht, Radboudumc and MUMC+
Classification: Likely benign. Review status: no assertion criteria provided. Collection method: clinical testing. Allele origin: germline. Affected: yes. Study: VKGL Data-share Consensus. Not counted in ClinVar's aggregate classification.

NM_001037.5(SCN1B):c.522C>A (p.Leu174=)

Gene: SCN1B (sodium voltage-gated channel beta subunit 1; plus strand). Cytogenetic location: 19q13.11.
Variant type: single nucleotide variant.
Coding change: c.522C>A on transcript NM_001037.5 (MANE Select); coding-DNA position 522, C replaced by A.
Protein change: p.Leu174=; no amino-acid change (leucine 174 retained).
Molecular consequence: synonymous variant.
Genome position (GRCh38, 1-based): chr19:35,039,190, C>A. VCF-style: chr19-35039190-C-A. GRCh37 (hg19) VCF-style: chr19-35530094-C-A.
Other names: c.423C>A, p.Leu141= (NM_001321605.2).
Identifiers: ClinVar variation 470175 (VCV000470175.30), dbSNP rs35478147, ClinGen allele CA9372088.